The following is an entry in ClinVar:

ClinVar aggregate classification (germline): Pathogenic (1 of 4 stars; one submission).

Submission:

Labcorp Genetics (formerly Invitae), Labcorp
Classification: Pathogenic. Last evaluated: 2023-07-07. Review status: criteria provided, single submitter. Criteria: Invitae Variant Classification Sherloc (09022015). Collection method: clinical testing. Allele origin: germline.
Comment: This variant is not present in population databases (gnomAD no frequency). For these reasons, this variant has been classified as Pathogenic. Algorithms developed to predict the effect of sequence changes on RNA splicing suggest that this variant may disrupt the consensus splice site. This variant has not been reported in the literature in individuals affected with DPYS-related conditions. This sequence change creates a premature translational stop signal (p.Asn347*) in the DPYS gene. It is expected to result in an absent or disrupted protein product. Loss-of-function variants in DPYS are known to be pathogenic (PMID: 20362666).

Literature cited by the submitters: PubMed 20362666.

NM_001385.3(DPYS):c.1038_1039insT (p.Asn347Ter)

Gene: DPYS (dihydropyrimidinase; minus strand). Cytogenetic location: 8q22.3.
Variant type: Insertion.
Coding change: c.1038_1039insT on transcript NM_001385.3 (MANE Select); coding-DNA positions 1038 to 1039, T inserted.
Protein change: p.Asn347Ter; replaces asparagine 347 with a stop codon.
Molecular consequence: nonsense.
Genome position: GRCh38 VCF-style: chr8-104428033-T-TA. GRCh37 (hg19) VCF-style: chr8-105440261-T-TA.
Other names: short protein forms N347*.
Identifiers: ClinVar variation 2737553 (VCV002737553.3), dbSNP rs2537770319, ClinGen allele CA2697550126.